The following is an entry in ClinVar:

ClinVar aggregate classification (germline): Conflicting classifications of pathogenicity. Review status: criteria provided, conflicting classifications (1 of 4 stars). 3 submissions from 3 submitters: Uncertain significance (2); Likely benign (1). Last evaluated 2026-05-06.

Conditions:
CPT1C-related disorder. Also called: CPT1C-related condition.
Hereditary spastic paraplegia 73. Also called: Spastic paraplegia 73, autosomal dominant. Identifiers: Orphanet 444099, MedGen C5568981, MONDO:0014568, OMIM 616282.

Allele frequency attached by ClinVar (database versions not stated): ExAC 0.00021; TOPMed 0.00022; gnomAD 0.00023 and 0.00024; gnomAD exomes 0.00024 and 0.00040; ESP Exome Variant Server 0.00054.
gnomAD v4.1: 622 of 1,614,036 alleles (0.039%); highest among the groups gnomAD compares: Non-Finnish European, 0.048%; 1 homozygote.

Submissions (3):

PreventionGenetics, part of Exact Sciences
Classification: Likely benign for CPT1C-related condition. Last evaluated: 2026-05-06. Review status: criteria provided, single submitter. Criteria: ACMG Guidelines, 2015. Collection method: clinical testing. Allele origin: germline.
Comment: This variant is classified as likely benign based on ACMG/AMP sequence variant interpretation guidelines (Richards et al. 2015 PMID: 25741868, with internal and published modifications).

Ambry Genetics
Classification: Uncertain significance. Last evaluated: 2024-09-20. Review status: criteria provided, single submitter. Criteria: Ambry Variant Classification Scheme 2023. Collection method: clinical testing. Allele origin: germline.

Labcorp Genetics (formerly Invitae), Labcorp
Classification: Uncertain significance for Hereditary spastic paraplegia 73. Last evaluated: 2024-09-06. Review status: criteria provided, single submitter. Criteria: Invitae Variant Classification Sherloc (09022015). Collection method: clinical testing. Allele origin: germline.
Comment: This sequence change replaces phenylalanine, which is neutral and non-polar, with valine, which is neutral and non-polar, at codon 66 of the CPT1C protein (p.Phe66Val). This variant is present in population databases (rs201119466, gnomAD 0.04%), and has an allele count higher than expected for a pathogenic variant. This variant has not been reported in the literature in individuals affected with CPT1C-related conditions. ClinVar contains an entry for this variant (Variation ID: 640926). An algorithm developed to predict the effect of missense changes on protein structure and function (PolyPhen-2) suggests that this variant¬†is likely to be tolerated. In summary, the available evidence is currently insufficient to determine the role of this variant in disease. Therefore, it has been classified as a Variant of Uncertain Significance.

NM_001199753.2(CPT1C):c.196T>G (p.Phe66Val)

Gene: CPT1C (carnitine palmitoyltransferase 1C; plus strand). Cytogenetic location: 19q13.33.
Variant type: single nucleotide variant.
Coding change: c.196T>G on transcript NM_001199753.2 (MANE Select); coding-DNA position 196, T replaced by G.
Protein change: p.Phe66Val; replaces phenylalanine 66 with valine.
Molecular consequence: missense variant. On other transcripts: non-coding transcript variant (1).
Genome position (GRCh38, 1-based): chr19:49,697,380, T>G. VCF-style: chr19-49697380-T-G. GRCh37 (hg19) VCF-style: chr19-50200637-T-G.
Other names: c.196T>G, p.Phe66Val (NM_001136052.3, NM_001199752.3, NM_001378482.1 and 7 more transcripts); c.196T>G (NM_001199752.1); short protein forms F66V.
Identifiers: ClinVar variation 640926 (VCV000640926.10), dbSNP rs201119466, ClinGen allele CA9581713.